The following is an entry in ClinVar:

ClinVar aggregate classification (germline): Uncertain significance (1 of 4 stars; one submission).

Submission:

Labcorp Genetics (formerly Invitae), Labcorp
Classification: Uncertain significance. Last evaluated: 2022-05-27. Review status: criteria provided, single submitter. Criteria: Invitae Variant Classification Sherloc (09022015). Collection method: clinical testing. Allele origin: germline.
Comment: This sequence change replaces methionine, which is neutral and non-polar, with lysine, which is basic and polar, at codon 1317 of the COL2A1 protein (p.Met1317Lys). This variant is not present in population databases (gnomAD no frequency). In summary, the available evidence is currently insufficient to determine the role of this variant in disease. Therefore, it has been classified as a Variant of Uncertain Significance. Algorithms developed to predict the effect of sequence changes on RNA splicing suggest that this variant may create or strengthen a splice site. Algorithms developed to predict the effect of missense changes on protein structure and function are either unavailable or do not agree on the potential impact of this missense change (SIFT: "Deleterious"; PolyPhen-2: "Not Available"; Align-GVGD: "Class C65"). This variant has not been reported in the literature in individuals affected with COL2A1-related conditions.

NM_001844.5(COL2A1):c.3950T>A (p.Met1317Lys)

Gene: COL2A1 (collagen type II alpha 1 chain; minus strand). Cytogenetic location: 12q13.11.
Variant type: single nucleotide variant.
Coding change: c.3950T>A on transcript NM_001844.5 (MANE Select); coding-DNA position 3950, T replaced by A.
Protein change: p.Met1317Lys; replaces methionine 1317 with lysine.
Molecular consequence: missense variant.
Genome position (GRCh38, 1-based): chr12:47,974,799, A>T on the plus strand (T>A on the coding strand, the complement: COL2A1 is on the minus strand). VCF-style: chr12-47974799-A-T. GRCh37 (hg19) VCF-style: chr12-48368582-A-T.
Other names: c.3743T>A, p.Met1248Lys (NM_033150.3); short protein forms M1248K, M1317K.
Identifiers: ClinVar variation 1349566 (VCV001349566.8), dbSNP rs1555164561, ClinGen allele CA384535925.